The following is an entry in ClinVar:

ClinVar aggregate classification (germline): Uncertain significance (1 of 4 stars; one submission).

Submission:

Labcorp Genetics (formerly Invitae), Labcorp
Classification: Uncertain significance. Last evaluated: 2022-04-15. Review status: criteria provided, single submitter. Criteria: Invitae Variant Classification Sherloc (09022015). Collection method: clinical testing. Allele origin: germline.
Comment: This sequence change replaces arginine, which is basic and polar, with threonine, which is neutral and polar, at codon 269 of the RIMS1 protein (p.Arg269Thr). This variant is not present in population databases (gnomAD no frequency). This variant has not been reported in the literature in individuals affected with RIMS1-related conditions. Algorithms developed to predict the effect of missense changes on protein structure and function are either unavailable or do not agree on the potential impact of this missense change (SIFT: "Deleterious"; PolyPhen-2: "Benign"; Align-GVGD: "Class C25"). In summary, the available evidence is currently insufficient to determine the role of this variant in disease. Therefore, it has been classified as a Variant of Uncertain Significance.

NM_014989.7(RIMS1):c.806G>C (p.Arg269Thr)

Gene: RIMS1 (regulating synaptic membrane exocytosis 1; plus strand). Cytogenetic location: 6q13.
Variant type: single nucleotide variant.
Coding change: c.806G>C on transcript NM_014989.7 (MANE Select); coding-DNA position 806, G replaced by C.
Protein change: p.Arg269Thr; replaces arginine 269 with threonine.
Molecular consequence: missense variant.
Genome position (GRCh38, 1-based): chr6:72,179,909, G>C. VCF-style: chr6-72179909-G-C. GRCh37 (hg19) VCF-style: chr6-72889612-G-C.
Other names: short protein forms R269T.
Identifiers: ClinVar variation 1924433 (VCV001924433.5), dbSNP rs1371250054, ClinGen allele CA364818938.